The following is an entry in ClinVar:

ClinVar aggregate classification (germline): Conflicting classifications of pathogenicity. Review status: criteria provided, conflicting classifications (1 of 4 stars). 5 submissions from 5 submitters: Uncertain significance (3); Benign (1); Likely benign (1). Last evaluated 2026-01-22.

Conditions:
Autoinflammatory syndrome. Identifiers: Orphanet 93665, MedGen C3890737, MONDO:0019751.
Inborn genetic diseases. Identifiers: MedGen C0950123, MeSH D030342.
Pyogenic arthritis-pyoderma gangrenosum-acne syndrome (PAPA). Also called: PAPA SYNDROME; FAMILIAL RECURRENT ARTHRITIS. Identifiers: Orphanet 69126, MedGen C1858361, MONDO:0011462, OMIM 604416.

Allele frequency attached by ClinVar (database versions not stated): TOPMed 0.00004; gnomAD exomes 0.00011 and 0.00015; gnomAD 0.00012 and 0.00013; ExAC 0.00015; ESP Exome Variant Server 0.00016.
gnomAD v4.1: 177 of 1,575,050 alleles (0.011%); highest among the groups gnomAD compares: Admixed American, 0.013%; no homozygotes.

Submissions (5):

Labcorp Genetics (formerly Invitae), Labcorp
Classification: Benign for Pyogenic arthritis-pyoderma gangrenosum-acne syndrome. Last evaluated: 2026-01-22. Review status: criteria provided, single submitter. Criteria: Invitae Variant Classification Sherloc (09022015). Collection method: clinical testing. Allele origin: germline.

Blueprint Genetics
Classification: Likely benign. Last evaluated: 2024-10-16. Review status: criteria provided, single submitter. Criteria: ACMG Guidelines, 2015. Collection method: clinical testing. Allele origin: germline.

Ambry Genetics
Classification: Uncertain significance for Inborn genetic diseases. Last evaluated: 2021-10-12. Review status: criteria provided, single submitter. Criteria: Ambry Variant Classification Scheme 2023. Collection method: clinical testing. Allele origin: germline.

Genome Diagnostics Laboratory, The Hospital for Sick Children
Classification: Uncertain significance for Autoinflammatory syndrome. Last evaluated: 2018-07-01. Review status: criteria provided, single submitter. Criteria: ACMG Guidelines, 2015. Collection method: clinical testing. Allele origin: germline. Affected: yes.

GeneDx
Classification: Uncertain significance. Last evaluated: 2014-03-04. Review status: criteria provided, single submitter. Criteria: GeneDx Variant Classification (06012015). Collection method: clinical testing. Allele origin: germline. Affected: yes.
Comment: The C13G variant has not been published as a mutation, nor has it been reported as a benign polymorphism to our knowledge. The C13G variant was not observed at a significant frequency in individuals of European and African American ancestry in the NHLBI Exome Sequencing Project, indicating it is not a common benign variant in these populations. The C13G variant is a non-conservative amino acid substitution, which is likely to impact secondary protein structure as these residues differ in polarity, charge, size and/or other properties. This substitution occurs within the conserved FCH domain. However, the pathogenicity of missense changes in this region of the PSTPIP1 protein is unclear, as all currently known mutations associated with PAPA syndrome have been identified in the coiled-coil domain region. In silico analysis predicts this variant likely does not alter the protein structure/function. Therefore, based on the currently available information, it is unclear whether this variant is a pathogenic mutation or a rare benign variant.

NM_003978.5(PSTPIP1):c.37T>G (p.Cys13Gly)

Gene: PSTPIP1 (proline-serine-threonine phosphatase interacting protein 1; plus strand). Cytogenetic location: 15q24.3.
Variant type: single nucleotide variant.
Coding change: c.37T>G on transcript NM_003978.5 (MANE Select); coding-DNA position 37, T replaced by G.
Protein change: p.Cys13Gly; replaces cysteine 13 with glycine.
Molecular consequence: missense variant. On other transcripts: non-coding transcript variant (1).
Genome position (GRCh38, 1-based): chr15:77,018,148, T>G. VCF-style: chr15-77018148-T-G. GRCh37 (hg19) VCF-style: chr15-77310489-T-G.
Other names: c.37T>G, p.Cys13Gly (NM_001321135.2); c.10T>G, p.Cys4Gly (NM_001321136.2); c.232T>G, p.Cys78Gly (NM_001321137.1); short protein forms C13G, C4G, C78G.
Identifiers: ClinVar variation 242299 (VCV000242299.15), dbSNP rs376128040, ClinGen allele CA7675687.
Genomic context (GRCh38, chr15:77,018,148, plus strand): 5'-GGGCTGTGCTCAGTGTCGCCTGGTCGTGGCCCTCATGTGTCCTTCTGTCCTGTGTCACAG[T>G]GCAGGGACTTCACAGCCCACACGGGCTACGAGGTGCTGCTGCAGCGGCTTCTGGATGGCA-3'
Protein context (NP_003969.2, residues 3-23): PQLQFKDAFW[Cys13Gly]RDFTAHTGYE